The following is an entry in ClinVar:

NM_000548.5(TSC2):c.474A>C (p.Glu158Asp)

Gene: TSC2 (TSC complex subunit 2; plus strand). Cytogenetic location: 16p13.3.
Variant type: single nucleotide variant.
Coding change: c.474A>C on transcript NM_000548.5 (MANE Select); coding-DNA position 474, A replaced by C.
Protein change: p.Glu158Asp; replaces glutamic acid 158 with aspartic acid.
Molecular consequence: missense variant. On other transcripts: intron variant (1).
Genome position (GRCh38, 1-based): chr16:2,054,433, A>C. VCF-style: chr16-2054433-A-C. GRCh37 (hg19) VCF-style: chr16-2104434-A-C.
Other names: c.474A>C, p.Glu158Asp (NM_001077183.3, NM_001114382.3, NM_001363528.2 and 8 more transcripts); c.363A>C, p.Glu121Asp (NM_001318827.2, NM_001406670.1, NM_001406678.1); c.327A>C, p.Glu109Asp (NM_001318829.2, NM_001406675.1, NM_001406676.1 and 1 more transcripts); c.507A>C, p.Glu169Asp (NM_001318832.2); c.564A>C, p.Glu188Asp (NM_001406667.1, NM_001406668.1); c.417A>C, p.Glu139Asp (NM_001406677.1); c.-343A>C (NM_001406680.1, NM_001406683.1, NM_001406687.1); c.29A>C, p.Lys10Thr (NM_001406681.1); and 6 more; short protein forms E169D, K10T, E109D, E121D, E139D, E188D, E158D.
Identifiers: ClinVar variation 1742813 (VCV001742813.2), dbSNP rs2151044701, ClinGen allele CA394308563.

ClinVar aggregate classification (germline): Uncertain significance (1 of 4 stars; one submission).

Conditions:
Hereditary cancer-predisposing syndrome. Also called: Hereditary Cancer Syndrome; Hereditary neoplastic syndrome; Neoplastic Syndromes, Hereditary; Tumor predisposition. Identifiers: Orphanet 140162, MedGen C0027672, MeSH D009386, MONDO:0015356.

Submission:

Ambry Genetics
Classification: Uncertain significance for Hereditary cancer-predisposing syndrome. Last evaluated: 2022-07-29. Review status: criteria provided, single submitter. Criteria: Ambry Variant Classification Scheme 2023. Collection method: clinical testing. Allele origin: germline.
Comment: The p.E158D variant (also known as c.474A>C), located in coding exon 4 of the TSC2 gene, results from an A to C substitution at nucleotide position 474. The glutamic acid at codon 158 is replaced by aspartic acid, an amino acid with highly similar properties. This amino acid position is conserved. In addition, this alteration is predicted to be tolerated by in silico analysis. Since supporting evidence is limited at this time, the clinical significance of this alteration remains unclear.